The following is an entry in ClinVar:

NM_020750.3(XPO5):c.1121C>T (p.Thr374Ile)

Genes: POLR1C (RNA polymerase I and III subunit C; plus strand), XPO5 (exportin 5; minus strand). Cytogenetic location: 6p21.1.
Variant type: single nucleotide variant.
Coding change: c.1121C>T on transcript NM_020750.3 (MANE Select); coding-DNA position 1121, C replaced by T.
Protein change: p.Thr374Ile; replaces threonine 374 with isoleucine.
Molecular consequence: missense variant. On other transcripts: non-coding transcript variant (1), intron variant (1).
Genome position (GRCh38, 1-based): chr6:43,560,278, G>A on the plus strand (C>T on the coding strand, the complement: XPO5 is on the minus strand). VCF-style: chr6-43560278-G-A. GRCh37 (hg19) VCF-style: chr6-43528015-G-A.
Other names: c.*43-1122G>A (NM_001363658.2); short protein forms T374I.
Identifiers: ClinVar variation 3982882 (VCV003982882.1).
Genomic context (GRCh38, chr6:43,560,278, plus strand): 5'-ATTATTGCTAATAGCAAAGGATCACGGGACAGGATTTCATGCCTGAAGAGGGCTCCCCAA[G>A]TCATCTGAGTTGAAGAGCGTAGAAACTAAAGAGAAAAAAAAAAGAAAACGTCAAAGGATT-3'
Protein context (NP_065801.1, residues 364-384): SQFLRSSTQM[Thr374Ile]WGALFRHEIL

ClinVar aggregate classification (germline): Uncertain significance (1 of 4 stars; one submission).

Submission:

Ambry Genetics
Classification: Uncertain significance. Last evaluated: 2025-04-18. Review status: criteria provided, single submitter. Criteria: Ambry Variant Classification Scheme 2023. Collection method: clinical testing. Allele origin: germline.
Comment: Does not currently meet published gene-disease clinical validity criteria Based on insufficient or conflicting evidence, the clinical significance of this alteration remains unclear.

Literature cited by the submitters: PubMed 28106320.